The following is an entry in ClinVar:

NM_002242.4(KCNJ13):c.697G>A (p.Glu233Lys)

Genes: GIGYF2 (GRB10 interacting GYF protein 2; plus strand), KCNJ13 (potassium inwardly rectifying channel subfamily J member 13; minus strand). Cytogenetic location: 2q37.1.
Variant type: single nucleotide variant.
Coding change: c.697G>A on transcript NM_002242.4 (MANE Select); coding-DNA position 697, G replaced by A.
Protein change: p.Glu233Lys; replaces glutamic acid 233 with lysine.
Molecular consequence: missense variant. On other transcripts: 3 prime UTR variant (1), intron variant (4).
Genome position (GRCh38, 1-based): chr2:232,768,577, C>T on the plus strand (G>A on the coding strand, the complement: KCNJ13 is on the minus strand). VCF-style: chr2-232768577-C-T. GRCh37 (hg19) VCF-style: chr2-233633287-C-T.
Other names: c.*176G>A (NM_001172416.1); c.457G>A, p.Glu153Lys (NM_001172417.1); c.532+7141C>T (NM_001103146.3, NM_015575.4, NM_001103147.2 and 1 more transcripts); short protein forms E153K, E233K.
Identifiers: ClinVar variation 2102934 (VCV002102934.5), dbSNP rs761770948, ClinGen allele CA2169994.

ClinVar aggregate classification (germline): Uncertain significance. Review status: criteria provided, multiple submitters, no conflicts (2 of 4 stars). 2 submissions from 2 submitters: Uncertain significance (2). Last evaluated 2023-11-02.

Allele frequency attached by ClinVar (database versions not stated): ExAC 0.00001; gnomAD 0.00001; TOPMed 0.00002; gnomAD exomes 0.00003.
gnomAD v4.1: 45 of 1,613,970 alleles (0.0028%); highest among the groups gnomAD compares: Non-Finnish European, 0.0032%; no homozygotes.

Submissions (2):

Blueprint Genetics
Classification: Uncertain significance. Last evaluated: 2023-11-02. Review status: criteria provided, single submitter. Criteria: ACMG Guidelines, 2015. Collection method: clinical testing. Allele origin: germline.

Labcorp Genetics (formerly Invitae), Labcorp
Classification: Uncertain significance. Last evaluated: 2022-09-08. Review status: criteria provided, single submitter. Criteria: Invitae Variant Classification Sherloc (09022015). Collection method: clinical testing. Allele origin: germline.
Comment: This sequence change replaces glutamic acid, which is acidic and polar, with lysine, which is basic and polar, at codon 233 of the KCNJ13 protein (p.Glu233Lys). This variant is present in population databases (rs761770948, gnomAD 0.006%). This variant has not been reported in the literature in individuals affected with KCNJ13-related conditions. Advanced modeling of protein sequence and biophysical properties (such as structural, functional, and spatial information, amino acid conservation, physicochemical variation, residue mobility, and thermodynamic stability) performed at Invitae indicates that this missense variant is not expected to disrupt KCNJ13 protein function. In summary, the available evidence is currently insufficient to determine the role of this variant in disease. Therefore, it has been classified as a Variant of Uncertain Significance.